The following is an entry in ClinVar:

ClinVar aggregate classification (germline): Uncertain significance (1 of 4 stars; one submission).

Submission:

Labcorp Genetics (formerly Invitae), Labcorp
Classification: Uncertain significance. Last evaluated: 2023-11-22. Review status: criteria provided, single submitter. Criteria: Invitae Variant Classification Sherloc (09022015). Collection method: clinical testing. Allele origin: germline.
Comment: This sequence change replaces threonine, which is neutral and polar, with proline, which is neutral and non-polar, at codon 653 of the CDH2 protein (p.Thr653Pro). This variant is not present in population databases (gnomAD no frequency). This variant has not been reported in the literature in individuals affected with CDH2-related conditions. An algorithm developed to predict the effect of missense changes on protein structure and function (PolyPhen-2) suggests that this variant is likely to be disruptive. In summary, the available evidence is currently insufficient to determine the role of this variant in disease. Therefore, it has been classified as a Variant of Uncertain Significance.

NM_001792.5(CDH2):c.1957A>C (p.Thr653Pro)

Gene: CDH2 (cadherin 2; minus strand). Cytogenetic location: 18q12.1.
Variant type: single nucleotide variant.
Coding change: c.1957A>C on transcript NM_001792.5 (MANE Select); coding-DNA position 1957, A replaced by C.
Protein change: p.Thr653Pro; replaces threonine 653 with proline.
Molecular consequence: missense variant.
Genome position (GRCh38, 1-based): chr18:27,985,546, T>G on the plus strand (A>C on the coding strand, the complement: CDH2 is on the minus strand). VCF-style: chr18-27985546-T-G. GRCh37 (hg19) VCF-style: chr18-25565510-T-G.
Other names: c.1864A>C, p.Thr622Pro (NM_001308176.2); short protein forms T622P, T653P.
Identifiers: ClinVar variation 2698132 (VCV002698132.3), dbSNP rs2510793001, ClinGen allele CA402107194.